The following is an entry in ClinVar:

NM_005045.4(RELN):c.7948C>G (p.Gln2650Glu)

Gene: RELN (reelin; minus strand). Cytogenetic location: 7q22.1.
Variant type: single nucleotide variant.
Coding change: c.7948C>G on transcript NM_005045.4 (MANE Select); coding-DNA position 7948, C replaced by G.
Protein change: p.Gln2650Glu; replaces glutamine 2650 with glutamic acid.
Molecular consequence: missense variant.
Genome position (GRCh38, 1-based): chr7:103,515,356, G>C on the plus strand (C>G on the coding strand, the complement: RELN is on the minus strand). VCF-style: chr7-103515356-G-C. GRCh37 (hg19) VCF-style: chr7-103155803-G-C.
Other names: c.7948C>G, p.Gln2650Glu (NM_173054.3); short protein forms Q2650E.
Identifiers: ClinVar variation 4534877 (VCV004534877.6).

ClinVar aggregate classification (germline): Uncertain significance (1 of 4 stars; one submission).

Submission:

CeGaT Center for Human Genetics Tuebingen
Classification: Uncertain significance. Last evaluated: 2025-10-01. Review status: criteria provided, single submitter. Criteria: CeGaT Center For Human Genetics Tuebingen Variant Classification Criteria Version 2. Collection method: clinical testing. Allele origin: germline. Affected: yes. Observed: 1 variant allele.
Comment: RELN: PM2, BP4